The following is an entry in ClinVar:

ClinVar aggregate classification (germline): Uncertain significance (1 of 4 stars; one submission).

Submission:

Ambry Genetics
Classification: Uncertain significance. Last evaluated: 2025-08-19. Review status: criteria provided, single submitter. Criteria: Ambry Variant Classification Scheme 2023. Collection method: clinical testing. Allele origin: germline.
Comment: The p.M173L variant (also known as c.517A>T), located in coding exon 4 of the RNF43 gene, results from an A to T substitution at nucleotide position 517. The methionine at codon 173 is replaced by leucine, an amino acid with highly similar properties. This amino acid position is conserved. In addition, this alteration is predicted to be tolerated by in silico analysis. Based on the available evidence, the clinical significance of this variant remains unclear.

NM_017763.6(RNF43):c.517A>T (p.Met173Leu)

Gene: RNF43 (ring finger protein 43; minus strand). Cytogenetic location: 17q22.
Variant type: single nucleotide variant.
Coding change: c.517A>T on transcript NM_017763.6 (MANE Select); coding-DNA position 517, A replaced by T.
Protein change: p.Met173Leu; replaces methionine 173 with leucine.
Molecular consequence: missense variant.
Genome position (GRCh38, 1-based): chr17:58,363,340, T>A on the plus strand (A>T on the coding strand, the complement: RNF43 is on the minus strand). VCF-style: chr17-58363340-T-A. GRCh37 (hg19) VCF-style: chr17-56440701-T-A.
Other names: c.136A>T, p.Met46Leu (NM_001437987.1, NM_001305545.2); c.517A>T, p.Met173Leu (NM_001438820.1, NM_001438821.1, NM_001438822.1 and 1 more transcripts); short protein forms M46L, M173L.
Identifiers: ClinVar variation 4155782 (VCV004155782.1).